The following is an entry in ClinVar:

NM_001303256.3(MORC2):c.704del (p.Pro235fs)

Gene: MORC2 (MORC family CW-type zinc finger 2; minus strand). Cytogenetic location: 22q12.2.
Variant type: Deletion.
Coding change: c.704del on transcript NM_001303256.3 (MANE Select); coding-DNA position 704, one base deleted (C; older notation c.704delC).
Protein change: p.Pro235fs; shifts the reading frame from proline 235.
Molecular consequence: frameshift variant.
Genome position (GRCh38, 1-based): chr22:30,941,553, G deleted on the plus strand (C on the coding strand, the reverse complement: MORC2 is on the minus strand); the first of 2 consecutive G bases (chr22:30,941,553-30,941,554); deleting either gives the same sequence. VCF-style (leftmost placement, unchanged base first): chr22-30941552-TG-T. GRCh37 (hg19) VCF-style: chr22-31337539-TG-T.
Other names: c.704del, p.Pro235fs (NM_001303257.2); c.518del, p.Pro173fs (NM_014941.3); short protein forms P173fs, P235fs.
Identifiers: ClinVar variation 1010103 (VCV001010103.7), dbSNP rs2040742194, ClinGen allele CA2401262623.

ClinVar aggregate classification (germline): Uncertain significance (1 of 4 stars; one submission).

Conditions:
Charcot-Marie-Tooth disease axonal type 2Z. Also called: CHARCOT-MARIE-TOOTH DISEASE, AXONAL, AUTOSOMAL DOMINANT, TYPE 2Z; CHARCOT-MARIE-TOOTH NEUROPATHY, TYPE 2Z. Identifiers: Orphanet 466768, MedGen C5569025, MONDO:0014736, OMIM 616688.

Submission:

Labcorp Genetics (formerly Invitae), Labcorp
Classification: Uncertain significance for Charcot-Marie-Tooth disease axonal type 2Z. Last evaluated: 2020-09-24. Review status: criteria provided, single submitter. Criteria: Invitae Variant Classification Sherloc (09022015). Collection method: clinical testing. Allele origin: germline.
Comment: In summary, the available evidence is currently insufficient to determine the role of this variant in disease. Therefore, it has been classified as a Variant of Uncertain Significance. The current clinical and genetic evidence is not sufficient to establish whether loss-of-function variants in MORC2 cause disease. This variant has not been reported in the literature in individuals with MORC2-related conditions. This variant is not present in population databases (ExAC no frequency). This sequence change creates a premature translational stop signal (p.Pro235Glnfs*19) in the MORC2 gene. It is expected to result in an absent or disrupted protein product.